The following is an entry in ClinVar:

NM_000173.7(GP1BA):c.987G>A (p.Trp329Ter)

Gene: GP1BA (glycoprotein Ib platelet subunit alpha; plus strand). Cytogenetic location: 17p13.2.
Variant type: single nucleotide variant.
Coding change: c.987G>A on transcript NM_000173.7 (MANE Select); coding-DNA position 987, G replaced by A.
Protein change: p.Trp329Ter; replaces tryptophan 329 with a stop codon.
Molecular consequence: nonsense.
Genome position (GRCh38, 1-based): chr17:4,933,591, G>A. VCF-style: chr17-4933591-G-A. GRCh37 (hg19) VCF-style: chr17-4836886-G-A.
Other names: NM_000173.7(GP1BA):c.987G>A; p.Trp329Ter; short protein forms W329*.
Identifiers: ClinVar variation 3251584 (VCV003251584.2), dbSNP rs2507593310.

ClinVar aggregate classification (germline): Likely pathogenic. Review status: reviewed by expert panel (3 of 4 stars). 3 submissions from 3 submitters: Likely pathogenic (1). 2 of the submissions do not count toward it. Last evaluated 2025-11-06.

Conditions:
Bernard Soulier syndrome (BSS). Also called: Giant platelet syndrome; Hemorrhagiparous thrombocytic dystrophy; Giant platelet disease; BLEEDING DISORDER, PLATELET-TYPE, 1; Platelet Glycoprotein 1b, Deficiency of; GLYCOPROTEIN Ib, PLATELET, DEFICIENCY OF. Identifiers: Orphanet 274, MedGen C0005129, MeSH D001606, MONDO:0009276, OMIM 231200.
Bernard-Soulier syndrome, type A2, autosomal dominant (BSSA2). Also called: Bernard-Soulier syndrome, type A2 (dominant). Identifiers: Orphanet 274, MedGen C3277076, MONDO:0007930, OMIM 153670.
Pseudo von Willebrand disease (VWDP). Also called: BLEEDING DISORDER, PLATELET-TYPE, 3; Platelet-type von Willebrand disease. Identifiers: Orphanet 52530, MedGen C1280798, MONDO:0008332, OMIM 177820.
Nonarteritic anterior ischemic optic neuropathy, susceptibility to (NAION). Also called: NAION, SUSCEPTIBILITY TO; OPTIC NEUROPATHY, ANTERIOR ISCHEMIC, SUSCEPTIBILITY TO. Identifiers: MedGen C1847711, MONDO:0009789, OMIM 258660.

Submissions (3):

ClinGen Platelet Disorders Variant Curation Expert Panel, ClinGen
Classification: Likely pathogenic for Bernard Soulier syndrome. Last evaluated: 2025-11-06. Review status: reviewed by expert panel. Criteria: ClinGen Platelet ACMG Specifications GP1BA V1.0.0. Collection method: curation. Allele origin: germline. Inheritance: Autosomal recessive inheritance.
Comment: The c.987G>A (p.Trp329Ter) variant in GP1BA is a nonsense variant that may cause loss of function of the protein, however it is predicted to escape nonsense mediated decay and remove >10% of the protein (PVS1_Strong). At least one patient (Patient 1 in PMID: 26133172) with this variant had aggregation absent for ristocetin and present for all other agonists, which is highly specific for Bernard-Soulier syndrome. Additionally, the patient had macrothrombocytopenia which is consistent with Bernard-Soulier syndrome (PP4). This variant has been detected in at least 1 proband with Bernard-Soulier syndrome (Case 1 in PMID: 26133172). Surface expression of GP1a and GP9 measured by flow cytometry and Western blot in CHO cells transiently co-transfected with c.987G>A (p.Trp329Ter) variant GP1a and wild type GP1b, and GP9 showed decreased expression at 1% WT levels, indicating that this variant impacts protein function (PMID: 26133172, PS3_supporting). The Grpmax Filtering allele frequency in gnomAD v4.1.0 is absent (based on 1/1179858 alleles) in the European (non Finnish) population, which is lower than the ClinGen PD VCEP threshold (<0.0001114; PM2_Supporting). In summary, this variant meets the criteria to be classified as Likely Pathogenic for autosomal recessive Bernard-Soulier syndrome based on the ACMG/AMP criteria applied, as specified by the ClinGen PD VCEP: PVS1_Strong, PP4, PM3_Supporintg, PS3_Supporting, and PM2_Supporting (VCEP specifications version 1).

Fulgent Genetics
Classification: Pathogenic for Bernard-Soulier syndrome, type A2, autosomal dominant; Pseudo von Willebrand disease; Bernard Soulier syndrome; Nonarteritic anterior ischemic optic neuropathy, susceptibility to. Last evaluated: 2024-04-04. Review status: criteria provided, single submitter. Criteria: ACMG Guidelines, 2015. Collection method: clinical testing. Allele origin: germline. Not counted in ClinVar's aggregate classification.

Women's Health and Genetics/Laboratory Corporation of America, LabCorp
Classification: Pathogenic for Bernard Soulier syndrome. Last evaluated: 2024-04-02. Review status: criteria provided, single submitter. Criteria: LabCorp Variant Classification Summary - May 2015. Collection method: clinical testing. Allele origin: germline. Not counted in ClinVar's aggregate classification.
Comment: Variant summary: GP1BA c.987G>A (p.Trp329X) results in a premature termination codon, predicted to cause a truncation of the encoded protein, however it is not expected to undergo NMD. Pathogenic variants have been observed downstream in ClinVar. The variant was absent in 249264 control chromosomes. c.987G>A has been reported in the literature in individuals affected with Bernard Soulier Syndrome (Li_2015). These data indicate that the variant may be associated with disease. At least one publication reports experimental evidence evaluating an impact on protein function and shows an impact on protein function (Li_2015). The following publication have been ascertained in the context of this evaluation (PMID: 26133172). No submitters have cited clinical-significance assessments for this variant to ClinVar. Based on the evidence outlined above, the variant was classified as pathogenic.

Literature cited by the submitters: PubMed 26133172 (cited by ClinGen Platelet Disorders Variant Curation Expert Panel, ClinGen and Women's Health and Genetics/Laboratory Corporation of America, LabCorp).